The following is an entry in ClinVar:

ClinVar aggregate classification (germline): Uncertain significance (1 of 4 stars; one submission).

gnomAD v4.1: 1 of 1,614,042 alleles (0.000062%); highest among the groups gnomAD compares: African/African-American, 0.0013%; no homozygotes.

Submission:

GeneDx
Classification: Uncertain significance. Last evaluated: 2024-10-25. Review status: criteria provided, single submitter. Criteria: GeneDx Variant Classification Process June 2021. Collection method: clinical testing. Allele origin: germline. Affected: yes.
Comment: Not observed at significant frequency in large population cohorts (gnomAD); In silico analysis supports that this missense variant has a deleterious effect on protein structure/function; Has not been previously published as pathogenic or benign to our knowledge

NM_000834.5(GRIN2B):c.2939T>G (p.Val980Gly)

Gene: GRIN2B (glutamate ionotropic receptor NMDA type subunit 2B; minus strand). Cytogenetic location: 12p13.1.
Variant type: single nucleotide variant.
Coding change: c.2939T>G on transcript NM_000834.5 (MANE Select); coding-DNA position 2939, T replaced by G.
Protein change: p.Val980Gly; replaces valine 980 with glycine.
Molecular consequence: missense variant.
Genome position (GRCh38, 1-based): chr12:13,564,299, A>C on the plus strand (T>G on the coding strand, the complement: GRIN2B is on the minus strand). VCF-style: chr12-13564299-A-C. GRCh37 (hg19) VCF-style: chr12-13717233-A-C.
Other names: c.2939T>G, p.Val980Gly (NM_001413992.1); short protein forms V980G.
Identifiers: ClinVar variation 3893355 (VCV003893355.1).